The following is an entry in ClinVar:

ClinVar aggregate classification (germline): Pathogenic (1 of 4 stars; one submission).

Allele frequency attached by ClinVar (database versions not stated): gnomAD exomes below 0.00001.
gnomAD v4.1: 1 of 1,614,052 alleles (0.000062%); highest among the groups gnomAD compares: Admixed American, 0.0017%; no homozygotes.

Submission:

Labcorp Genetics (formerly Invitae), Labcorp
Classification: Pathogenic. Last evaluated: 2024-03-02. Review status: criteria provided, single submitter. Criteria: Invitae Variant Classification Sherloc (09022015). Collection method: clinical testing. Allele origin: germline.
Comment: This sequence change creates a premature translational stop signal (p.Gln951*) in the LAMC3 gene. It is expected to result in an absent or disrupted protein product. Loss-of-function variants in LAMC3 are known to be pathogenic (PMID: 21572413, 26802095). This variant is present in population databases (no rsID available, gnomAD 0.003%). This variant has not been reported in the literature in individuals affected with LAMC3-related conditions. Algorithms developed to predict the effect of sequence changes on RNA splicing suggest that this variant may disrupt the consensus splice site. For these reasons, this variant has been classified as Pathogenic.

Literature cited by the submitters: PubMed 21572413; PubMed 26802095.

NM_006059.4(LAMC3):c.2851C>T (p.Gln951Ter)

Gene: LAMC3 (laminin subunit gamma 3; plus strand). Cytogenetic location: 9q34.12.
Variant type: single nucleotide variant.
Coding change: c.2851C>T on transcript NM_006059.4 (MANE Select); coding-DNA position 2851, C replaced by T.
Protein change: p.Gln951Ter; replaces glutamine 951 with a stop codon.
Molecular consequence: nonsense.
Genome position (GRCh38, 1-based): chr9:131,069,011, C>T. VCF-style: chr9-131069011-C-T. GRCh37 (hg19) VCF-style: chr9-133944398-C-T.
Other names: short protein forms Q951*.
Identifiers: ClinVar variation 2973038 (VCV002973038.3), dbSNP rs1392447890, ClinGen allele CA375254977.